The following is an entry in ClinVar:

ClinVar aggregate classification (germline): Conflicting classifications of pathogenicity. Review status: criteria provided, conflicting classifications (1 of 4 stars). 3 submissions from 3 submitters: Uncertain significance (2); Likely benign (1). Last evaluated 2025-12-01.

Conditions:
Hereditary cancer-predisposing syndrome. Also called: Tumor predisposition; Neoplastic Syndromes, Hereditary; Hereditary Cancer Syndrome; Hereditary neoplastic syndrome. Identifiers: Orphanet 140162, MedGen C0027672, MeSH D009386, MONDO:0015356.
BAP1-related tumor predisposition syndrome (TPDS1). Also called: BAP1 tumor predisposition syndrome; Tumor susceptibility linked to germline BAP1 mutations; TUMOR PREDISPOSITION SYNDROME 1; COMMON Syndrome. Identifiers: Orphanet 289539, MedGen C3280492, MONDO:0013692, OMIM 614327.

Allele frequency attached by ClinVar (database versions not stated): gnomAD exomes below 0.00001; ExAC 0.00001; gnomAD 0.00001; TOPMed 0.00002.
gnomAD v4.1: 1 of 1,614,000 alleles (0.000062%); highest among the groups gnomAD compares: African/African-American, 0.0013%; no homozygotes.

Submissions (3):

Labcorp Genetics (formerly Invitae), Labcorp
Classification: Uncertain significance for BAP1-related tumor predisposition syndrome. Last evaluated: 2025-12-01. Review status: criteria provided, single submitter. Criteria: Invitae Variant Classification Sherloc (09022015). Collection method: clinical testing. Allele origin: germline.
Comment: This sequence change replaces proline, which is neutral and non-polar, with leucine, which is neutral and non-polar, at codon 462 of the BAP1 protein (p.Pro462Leu). This variant is present in population databases (rs772505081, gnomAD 0.007%). This variant has not been reported in the literature in individuals affected with BAP1-related conditions. ClinVar contains an entry for this variant (Variation ID: 1383546). Invitae Evidence Modeling of protein sequence and biophysical properties (such as structural, functional, and spatial information, amino acid conservation, physicochemical variation, residue mobility, and thermodynamic stability) has been performed for this missense variant. However, the output from this modeling did not meet the statistical confidence thresholds required to predict the impact of this variant on BAP1 protein function. In summary, the available evidence is currently insufficient to determine the role of this variant in disease. Therefore, it has been classified as a Variant of Uncertain Significance.

Ambry Genetics
Classification: Likely benign for Hereditary cancer-predisposing syndrome. Last evaluated: 2024-10-15. Review status: criteria provided, single submitter. Criteria: Ambry Variant Classification Scheme 2023. Collection method: clinical testing. Allele origin: germline.

Baylor Genetics
Classification: Uncertain significance for BAP1-related tumor predisposition syndrome. Last evaluated: 2023-09-25. Review status: criteria provided, single submitter. Criteria: ACMG Guidelines, 2015. Collection method: clinical testing. Allele origin: unknown.

Literature cited by the submitters: PubMed 38969833 (cited by Ambry Genetics).

NM_004656.4(BAP1):c.1385C>T (p.Pro462Leu)

Gene: BAP1 (BRCA1 associated deubiquitinase 1; minus strand). Cytogenetic location: 3p21.1.
Variant type: single nucleotide variant.
Coding change: c.1385C>T on transcript NM_004656.4 (MANE Select); coding-DNA position 1385, C replaced by T.
Protein change: p.Pro462Leu; replaces proline 462 with leucine.
Molecular consequence: missense variant.
Genome position (GRCh38, 1-based): chr3:52,403,760, G>A on the plus strand (C>T on the coding strand, the complement: BAP1 is on the minus strand). VCF-style: chr3-52403760-G-A. GRCh37 (hg19) VCF-style: chr3-52437776-G-A.
Other names: short protein forms P462L.
Identifiers: ClinVar variation 1383546 (VCV001383546.10), dbSNP rs772505081, ClinGen allele CA2436814.